The following is an entry in ClinVar:

ClinVar aggregate classification (germline): Pathogenic (1 of 4 stars; one submission).

Conditions:
Familial cancer of breast. Also called: BREAST CANCER, FAMILIAL; Hereditary breast cancer; hereditary breast carcinoma. Identifiers: Orphanet 227535, MedGen C0346153, MONDO:0016419, OMIM 114480. Disease mechanism: loss of function.

Submission:

Labcorp Genetics (formerly Invitae), Labcorp
Classification: Pathogenic for Familial cancer of breast. Last evaluated: 2019-10-09. Review status: criteria provided, single submitter. Criteria: Invitae Variant Classification Sherloc (09022015). Collection method: clinical testing. Allele origin: germline.
Comment: For these reasons, this variant has been classified as Pathogenic. Loss-of-function variants in PALB2 are known to be pathogenic (PMID: 17200668, 24136930, 25099575). This variant has not been reported in the literature in individuals with PALB2-related conditions. This variant is not present in population databases (ExAC no frequency). This sequence change creates a premature translational stop signal (p.Val836Glyfs*5) in the PALB2 gene. It is expected to result in an absent or disrupted protein product.

Literature cited by the submitters: PubMed 17200668; PubMed 24136930; PubMed 25099575.

NM_024675.4(PALB2):c.2506dup (p.Val836fs)

Gene: PALB2 (partner and localizer of BRCA2; minus strand). Cytogenetic location: 16p12.2.
Variant type: Duplication.
Coding change: c.2506dup on transcript NM_024675.4 (MANE Select); coding-DNA position 2506, one base duplicated (G; older notation c.2506dupG).
Protein change: p.Val836fs; shifts the reading frame from valine 836.
Molecular consequence: frameshift variant.
Genome position (GRCh38, 1-based): chr16:23,629,648, C duplicated on the plus strand (G on the coding strand, the reverse complement: PALB2 is on the minus strand). VCF-style (leftmost placement, unchanged base first): chr16-23629647-A-AC. GRCh37 (hg19) VCF-style: chr16-23640968-A-AC.
Other names: short protein forms V836fs.
Identifiers: ClinVar variation 952818 (VCV000952818.8), dbSNP rs1966855544, ClinGen allele CA1139664589.
Genomic context (GRCh38, chr16:23,629,647, plus strand): 5'-ACTAAGGCATTTCATTCCTTCAGAGAAAATTTCACAGAGGAAATGGATTGTACCTGTTCG[A>AC]CGGAATGTTTATGCAGCTCCTGGCATGTGTTTCTACAGAGCTGATTTTCTTTAAAAGTGA-3'